The following is an entry in ClinVar:

NM_000124.4(ERCC6):c.1685+5G>C

Gene: ERCC6 (ERCC excision repair 6, chromatin remodeling factor; minus strand). Cytogenetic location: 10q11.23.
Variant type: single nucleotide variant.
Coding change: c.1685+5G>C on transcript NM_000124.4 (MANE Select); 5 bases into the intron after coding-DNA position 1685, G replaced by C.
Molecular consequence: intron variant.
Genome position (GRCh38, 1-based): chr10:49,500,533, C>G on the plus strand (G>C on the coding strand, the complement: ERCC6 is on the minus strand). VCF-style: chr10-49500533-C-G. GRCh37 (hg19) VCF-style: chr10-50708579-C-G.
Other names: c.1685+5G>C (NM_001346440.2).
Identifiers: ClinVar variation 3343809 (VCV003343809.1).

ClinVar aggregate classification (germline): Uncertain significance (1 of 4 stars; one submission).

Submission:

GeneDx
Classification: Uncertain significance. Last evaluated: 2023-06-07. Review status: criteria provided, single submitter. Criteria: GeneDx Variant Classification Process June 2021. Collection method: clinical testing. Allele origin: germline. Affected: yes.
Comment: Not observed at significant frequency in large population cohorts (gnomAD); In silico analysis is inconclusive as to whether the variant alters gene splicing. In the absence of RNA/functional studies, the actual effect of this sequence change is unknown.; Has not been previously published as pathogenic or benign to our knowledge